The following is an entry in ClinVar:

NM_015178.3(RHOBTB2):c.49T>C (p.Cys17Arg)

Gene: RHOBTB2 (Rho related BTB domain containing 2; plus strand). Cytogenetic location: 8p21.3.
Variant type: single nucleotide variant.
Coding change: c.49T>C on transcript NM_015178.3 (MANE Select); coding-DNA position 49, T replaced by C.
Protein change: p.Cys17Arg; replaces cysteine 17 with arginine.
Molecular consequence: missense variant.
Genome position (GRCh38, 1-based): chr8:23,004,483, T>C. VCF-style: chr8-23004483-T-C. GRCh37 (hg19) VCF-style: chr8-22861996-T-C.
Other names: c.115T>C, p.Cys39Arg (NM_001160036.2); c.70T>C, p.Cys24Arg (NM_001160037.2); c.49T>C, p.Cys17Arg (NM_001374791.1); short protein forms C17R, C24R, C39R.
Identifiers: ClinVar variation 5043359 (VCV005043359.1).

ClinVar aggregate classification (germline): Uncertain significance (1 of 4 stars; one submission).

Conditions:
Fetal anomalies with a likely genetic cause.

Submission:

Genetics Laboratory, Great Ormond Street Hospital NHS Foundation Trust, North Thames Genomic Laboratory Hub
Classification: Uncertain significance for Fetal anomalies with a likely genetic cause. Last evaluated: 2026-09-18. Review status: criteria provided, single submitter. Criteria: ACGS Best Practice Guidelines for Variant Classification in Rare Disease 2024 v1.2. Collection method: clinical testing. Allele origin: germline. Affected: yes.
Comment: PM2_moderate, PP3_supporting, PP2_supporting